The following is an entry in ClinVar:

NM_007078.3(LDB3):c.1858-11C>G

Gene: LDB3 (LIM domain binding 3; plus strand). Cytogenetic location: 10q23.2.
Variant type: single nucleotide variant.
Coding change: c.1858-11C>G on transcript NM_007078.3 (MANE Select); 11 bases into the intron before coding-DNA position 1858, C replaced by G.
Molecular consequence: intron variant.
Genome position (GRCh38, 1-based): chr10:86,718,716, C>G. VCF-style: chr10-86718716-C-G. GRCh37 (hg19) VCF-style: chr10-88478473-C-G.
Other names: c.1669-11C>G (NM_001368064.1, NM_001368065.1); c.1873-11C>G (NM_001171610.2); c.1717-11C>G (NM_001368066.1); c.1528-11C>G (NM_001080114.2).
Identifiers: ClinVar variation 4764613 (VCV004764613.1).

ClinVar aggregate classification (germline): Uncertain significance (1 of 4 stars; one submission).

Conditions:
Myofibrillar myopathy 4. Also called: Zaspopathy (type). Identifiers: Orphanet 98912, MedGen C4721886, MONDO:0012277, OMIM 609452.

gnomAD v4.1: 1 of 1,614,168 alleles (0.000062%); no homozygotes.

Submission:

Labcorp Genetics (formerly Invitae), Labcorp
Classification: Uncertain significance for Myofibrillar myopathy 4. Last evaluated: 2025-03-18. Review status: criteria provided, single submitter. Criteria: Invitae Variant Classification Sherloc (09022015). Collection method: clinical testing. Allele origin: germline.
Comment: The LDB3 gene has multiple clinically relevant transcripts. This variant occurs in alternate transcript NM_007078.3, and corresponds to NM_001080116.1:c.*19342C>G in the primary transcript. This sequence change falls in intron 11 of the LDB3 gene. It does not directly change the encoded amino acid sequence of the LDB3 protein. This variant is not present in population databases (gnomAD no frequency). This variant has not been reported in the literature in individuals affected with LDB3-related conditions. Experimental studies and prediction algorithms are not available or were not evaluated, and the effect of this variant on mRNA splicing is currently unknown. In summary, the available evidence is currently insufficient to determine the role of this variant in disease. Therefore, it has been classified as a Variant of Uncertain Significance.